The following is an entry in ClinVar:

NM_002234.4(KCNA5):c.424C>T (p.Pro142Ser)

Gene: KCNA5 (potassium voltage-gated channel subfamily A member 5; plus strand). Cytogenetic location: 12p13.32.
Variant type: single nucleotide variant.
Coding change: c.424C>T on transcript NM_002234.4 (MANE Select); coding-DNA position 424, C replaced by T.
Protein change: p.Pro142Ser; replaces proline 142 with serine.
Molecular consequence: missense variant.
Genome position (GRCh38, 1-based): chr12:5,044,571, C>T. VCF-style: chr12-5044571-C-T. GRCh37 (hg19) VCF-style: chr12-5153737-C-T.
Other names: short protein forms P142S.
Identifiers: ClinVar variation 5037463 (VCV005037463.1).
Genomic context (GRCh38, chr12:5,044,571, plus strand): 5'-GTCCACATCAACATCTCCGGGCTGCGCTTTGAGACGCAGCTGGGCACCCTGGCGCAGTTC[C>T]CCAACACACTCCTGGGGGACCCCGCCAAGCGCCTGCGCTACTTCGACCCCCTGAGGAACG-3'
Protein context (NP_002225.2, residues 132-152): ETQLGTLAQF[Pro142Ser]NTLLGDPAKR

ClinVar aggregate classification (germline): Uncertain significance (1 of 4 stars; one submission).

Submission:

GeneDx
Classification: Uncertain significance. Last evaluated: 2026-04-22. Review status: criteria provided, single submitter. Criteria: GeneDx Variant Classification Process June 2021. Collection method: clinical testing. Allele origin: germline.
Comment: Not observed at significant frequency in large population cohorts (gnomAD); In silico analysis supports that this missense variant has a deleterious effect on protein structure/function; Has not been previously published as pathogenic or benign to our knowledge